The following is an entry in ClinVar:

NM_025137.4(SPG11):c.2621-8del

Gene: SPG11 (SPG11 vesicle trafficking associated, spatacsin; minus strand). Cytogenetic location: 15q21.1.
Variant type: Deletion.
Coding change: c.2621-8del on transcript NM_025137.4 (MANE Select); 8 bases into the intron before coding-DNA position 2621, one base deleted (T; older notation c.2621-8delT).
Molecular consequence: intron variant.
Genome position (GRCh38, 1-based): chr15:44,620,411, A deleted on the plus strand (T on the coding strand, the reverse complement: SPG11 is on the minus strand); the first of 8 consecutive A bases (chr15:44,620,411-44,620,418); deleting any one gives the same sequence. VCF-style (leftmost placement, unchanged base first): chr15-44620410-GA-G. GRCh37 (hg19) VCF-style: chr15-44912608-GA-G.
Other names: c.2621-8del (NM_001160227.2).
Identifiers: ClinVar variation 1150039 (VCV001150039.31), dbSNP rs577083743, ClinGen allele CA7535174.

ClinVar aggregate classification (germline): Likely benign. Review status: criteria provided, multiple submitters, no conflicts (2 of 4 stars). 2 submissions from 2 submitters: Likely benign (2). Last evaluated 2025-05-12.

Conditions:
Hereditary spastic paraplegia 11. Also called: Spastic Paraplegia 11; Nakamura Osame syndrome; Autosomal recessive hereditary spastic paraplegia, mental impairment, and thin corpus callosum; Spastic paraplegia, mental retardation and thin corpus callosum; SPASTIC PARAPLEGIA, AUTOSOMAL RECESSIVE, COMPLICATED, WITH THIN CORPUS CALLOSUM; SPASTIC PARAPLEGIA, AUTOSOMAL RECESSIVE, WITH MENTAL IMPAIRMENT AND THIN CORPUS CALLOSUM. Identifiers: Orphanet 2822, MedGen C1858479, MONDO:0011445, OMIM 604360.

Submissions (2):

Labcorp Genetics (formerly Invitae), Labcorp
Classification: Likely benign for Hereditary spastic paraplegia 11. Last evaluated: 2025-05-12. Review status: criteria provided, single submitter. Criteria: Invitae Variant Classification Sherloc (09022015). Collection method: clinical testing. Allele origin: germline.

CeGaT Center for Human Genetics Tuebingen
Classification: Likely benign. Last evaluated: 2024-02-01. Review status: criteria provided, single submitter. Criteria: CeGaT Center For Human Genetics Tuebingen Variant Classification Criteria Version 2. Collection method: clinical testing. Allele origin: germline. Affected: yes. Observed: 1 variant allele.
Comment: SPG11: PM2:Supporting, BP3, BP4